The following is an entry in ClinVar:

NM_000179.3(MSH6):c.603G>T (p.Glu201Asp)

Gene: MSH6 (mutS homolog 6; plus strand). Cytogenetic location: 2p16.3.
Variant type: single nucleotide variant.
Coding change: c.603G>T on transcript NM_000179.3 (MANE Select); coding-DNA position 603, G replaced by T.
Protein change: p.Glu201Asp; replaces glutamic acid 201 with aspartic acid.
Molecular consequence: missense variant. On other transcripts: non-coding transcript variant (5), intron variant (8), 5 prime UTR variant (2).
Genome position (GRCh38, 1-based): chr2:47,796,039, G>T. VCF-style: chr2-47796039-G-T. GRCh37 (hg19) VCF-style: chr2-48023178-G-T.
Other names: c.-279-2572G>T (NM_001406811.1, NM_001281493.2, NM_001406812.1 and 4 more transcripts); c.-300G>T (NM_001281494.2); c.699G>T, p.Glu233Asp (NM_001406795.1, NM_001406802.1); c.603G>T, p.Glu201Asp (NM_001406796.1, NM_001406798.1, NM_001406800.1 and 5 more transcripts); c.306G>T, p.Glu102Asp (NM_001406797.1, NM_001406801.1, NM_001406805.1 and 10 more transcripts); c.238-2572G>T (NM_001281492.2); c.78G>T, p.Glu26Asp (NM_001406799.1, NM_001406806.1, NM_001406807.1); c.525G>T, p.Glu175Asp (NM_001406804.1); and 3 more; short protein forms E102D, E201D, E145D, E233D, E26D, E175D, E203D.
Identifiers: ClinVar variation 3875034 (VCV003875034.1).

ClinVar aggregate classification (germline): Uncertain significance (1 of 4 stars; one submission).

Conditions:
Hereditary cancer-predisposing syndrome. Also called: Tumor predisposition; Neoplastic Syndromes, Hereditary; Hereditary Cancer Syndrome; Hereditary neoplastic syndrome. Identifiers: Orphanet 140162, MedGen C0027672, MeSH D009386, MONDO:0015356.

Submission:

Ambry Genetics
Classification: Uncertain significance for Hereditary cancer-predisposing syndrome. Last evaluated: 2025-01-06. Review status: criteria provided, single submitter. Criteria: Ambry Variant Classification Scheme 2023. Collection method: clinical testing. Allele origin: germline.
Comment: The p.E201D variant (also known as c.603G>T), located in coding exon 3 of the MSH6 gene, results from a G to T substitution at nucleotide position 603. The glutamic acid at codon 201 is replaced by aspartic acid, an amino acid with highly similar properties. This amino acid position is conserved. In addition, this alteration is predicted to be tolerated by in silico analysis. Based on the available evidence, the clinical significance of this variant remains unclear.